The following is an entry in ClinVar:

NM_002335.4(LRP5):c.2529C>A (p.Asp843Glu)

Gene: LRP5 (LDL receptor related protein 5; plus strand). Cytogenetic location: 11q13.2.
Variant type: single nucleotide variant.
Coding change: c.2529C>A on transcript NM_002335.4 (MANE Select); coding-DNA position 2529, C replaced by A.
Protein change: p.Asp843Glu; replaces aspartic acid 843 with glutamic acid.
Molecular consequence: missense variant.
Genome position (GRCh38, 1-based): chr11:68,413,714, C>A. VCF-style: chr11-68413714-C-A. GRCh37 (hg19) VCF-style: chr11-68181182-C-A.
Other names: c.786C>A, p.Asp262Glu (NM_001291902.2); short protein forms D262E, D843E.
Identifiers: ClinVar variation 2707659 (VCV002707659.3), dbSNP rs143204891, ClinGen allele CA6149677.

ClinVar aggregate classification (germline): Uncertain significance (1 of 4 stars; one submission).

gnomAD v4.1: 1 of 1,613,784 alleles (0.000062%); highest among the groups gnomAD compares: Non-Finnish European, 0.000085%; no homozygotes.

Submission:

Labcorp Genetics (formerly Invitae), Labcorp
Classification: Uncertain significance. Last evaluated: 2024-01-11. Review status: criteria provided, single submitter. Criteria: Invitae Variant Classification Sherloc (09022015). Collection method: clinical testing. Allele origin: germline.
Comment: This sequence change replaces aspartic acid, which is acidic and polar, with glutamic acid, which is acidic and polar, at codon 843 of the LRP5 protein (p.Asp843Glu). This variant is present in population databases (rs143204891, gnomAD 0.0009%). This variant has not been reported in the literature in individuals affected with LRP5-related conditions. Advanced modeling of protein sequence and biophysical properties (such as structural, functional, and spatial information, amino acid conservation, physicochemical variation, residue mobility, and thermodynamic stability) performed at Invitae indicates that this missense variant is not expected to disrupt LRP5 protein function with a negative predictive value of 95%. In summary, the available evidence is currently insufficient to determine the role of this variant in disease. Therefore, it has been classified as a Variant of Uncertain Significance.